The following continues an entry in ClinVar:

NM_000152.5(GAA):c.1979G>A (p.Arg660His)

Gene: GAA. ClinVar aggregate classification (germline): Pathogenic. Pathogenic (1).

Submissions 10 to 16 of 16:

Women's Health and Genetics/Laboratory Corporation of America, LabCorp
Classification: Pathogenic for Glycogen storage disease, type II. Last evaluated: 2018-03-09. Review status: criteria provided, single submitter. Criteria: LabCorp Variant Classification Summary - May 2015. Collection method: clinical testing. Allele origin: germline. Not counted in ClinVar's aggregate classification.
Comment: Variant summary: GAA c.1979G>A (p.Arg660His) results in a non-conservative amino acid change in the encoded protein sequence. Five of five in-silico tools predict a damaging effect of the variant on protein function. The variant allele was found at a frequency of 0.00013 in 31000 control chromosomes (gnomAD and publications). This frequency is not significantly higher than expected for a pathogenic variant in GAA causing Glycogen Storage Disease, Type 2 (Pompe Disease) (0.00013 vs 0.0042), allowing no conclusion about variant significance. c.1979G>A has been reported in the literature in individuals affected with Glycogen Storage Disease, Type 2 (Pompe Disease)(Pipo_2003, Bernstein_2010, Bali_2011). These data indicate that the variant is likely to be associated with disease. At least two publications reports experimental evidence evaluating an impact on enzyme activity (Pipo_2003, Bali_2011). The most pronounced variant effect results in <10% of normal activity. Three clinical diagnostic laboratories have submitted clinical-significance assessments for this variant to ClinVar after 2014 without evidence for independent evaluation. All laboratories classified the variant as pathogenic/likely pathogenic. Based on the evidence outlined above, the variant was classified as pathogenic.

Eurofins Ntd Llc (ga)
Classification: Pathogenic. Last evaluated: 2017-02-27. Review status: criteria provided, single submitter. Criteria: EGL Classification Definitions 2015. Collection method: clinical testing. Allele origin: germline. Observed: 1 variant allele, 1 heterozygote. Not counted in ClinVar's aggregate classification.

PreventionGenetics, part of Exact Sciences
Classification: Pathogenic for GAA-related condition. Last evaluated: 2024-01-03. Review status: no assertion criteria provided. Collection method: clinical testing. Allele origin: germline. Not counted in ClinVar's aggregate classification.
Comment: The GAA c.1979G>A variant is predicted to result in the amino acid substitution p.Arg660His. This variant was reported in the homozygous and compound heterozygous states in multiple patients with Pompe disease (Nazari et al. 2017. PubMed ID: 27649523, Pipo et al. 2003. PubMed ID: 14643388, Kindel et al. 2012. PubMed ID: 22555271). In at least two patients carrying this variant, biochemical testing indicated GAA deficiency (Nazari et al. 2017. PubMed ID: 27649523). This variant is reported in 0.025% of alleles in individuals of African descent in gnomAD. This variant was classified as pathogenic by the ClinGen Lysosomal Storage Disorder Variant Curation Expert Panel and most laboratories in Clinvar. This variant is interpreted as pathogenic.

Biochemical Molecular Genetic Laboratory, King Abdulaziz Medical City
Classification: Likely pathogenic for Glycogen storage disease, type II. Last evaluated: 2019-09-26. Review status: no assertion criteria provided. Collection method: clinical testing. Allele origin: germline. Affected: yes. Not counted in ClinVar's aggregate classification.

Counsyl
Classification: Likely pathogenic for Glycogen storage disease, type II. Last evaluated: 2015-02-04. Review status: no assertion criteria provided. Collection method: literature only. Allele origin: unknown. Inheritance: Autosomal recessive inheritance. Not counted in ClinVar's aggregate classification.

Clinical Genetics DNA and cytogenetics Diagnostics Lab, Erasmus MC, Erasmus Medical Center
Classification: Pathogenic. Review status: no assertion criteria provided. Collection method: clinical testing. Allele origin: germline. Affected: yes. Study: VKGL Data-share Consensus. Not counted in ClinVar's aggregate classification.

Joint Genome Diagnostic Labs from Nijmegen and Maastricht, Radboudumc and MUMC+
Classification: Likely pathogenic. Review status: no assertion criteria provided. Collection method: clinical testing. Allele origin: germline. Affected: yes. Study: VKGL Data-share Consensus. Not counted in ClinVar's aggregate classification.

Literature cited by the submitters: PubMed 39273088 (cited by Genomenon, Inc); PubMed 38958145 (cited by Genomenon, Inc); PubMed 38250073 (cited by Genomenon, Inc); PubMed 37087815 (cited by Genomenon, Inc); PubMed 34852371 (cited by Genomenon, Inc); PubMed 33073007 (cited by Genomenon, Inc); PubMed 31086307 (cited by Genomenon, Inc); PubMed 30559630 (cited by Genomenon, Inc); PubMed 30214072 (cited by Genomenon, Inc); PubMed 14643388 (cited by 5 submitters); PubMed 19862843 (cited by 3 submitters); PubMed 20472203 (cited by 3 submitters); PubMed 20638881 (cited by 4 submitters); PubMed 21484825 (cited by 3 submitters); PubMed 22521436 (cited by 3 submitters); PubMed 22555271 (cited by Labcorp Genetics (formerly Invitae), Labcorp and Eurofins Ntd Llc (ga)); PubMed 27649523 (cited by Labcorp Genetics (formerly Invitae), Labcorp); PubMed 28454995 (cited by Natera, Inc.); PubMed 21637107 (cited by Natera, Inc.); PubMed 1464338 (cited by Natera, Inc.); PubMed 22658377 (cited by Eurofins Ntd Llc (ga) and Counsyl); PubMed 25037089 (cited by Counsyl).